The following is an entry in ClinVar:

NM_203447.4(DOCK8):c.1868+70G>C

Gene: DOCK8 (dedicator of cytokinesis 8; plus strand). Cytogenetic location: 9p24.3.
Variant type: single nucleotide variant.
Coding change: c.1868+70G>C on transcript NM_203447.4 (MANE Select); 70 bases into the intron after coding-DNA position 1868, G replaced by C.
Molecular consequence: intron variant.
Genome position (GRCh38, 1-based): chr9:370,370, G>C. VCF-style: chr9-370370-G-C. GRCh37 (hg19) VCF-style: chr9-370370-G-C.
Other names: c.1664+70G>C (NM_001193536.2, NM_001190458.2).
Identifiers: ClinVar variation 673273 (VCV000673273.4), dbSNP rs11515377, ClinGen allele CA187807299.

ClinVar aggregate classification (germline): Benign. Review status: criteria provided, multiple submitters, no conflicts (2 of 4 stars). 3 submissions from 3 submitters: Benign (3). Last evaluated 2023-11-12.

Allele frequency attached by ClinVar (database versions not stated): 1000 Genomes Project 30x 0.21830; 1000 Genomes Project 0.21605; TOPMed 0.23772.
gnomAD v4.1: 325,154 of 1,418,664 alleles (23%); highest among the groups gnomAD compares: Middle Eastern, 28%; 38,313 homozygotes.

Submissions (3):

Unidad de Genómica Garrahan, Hospital de Pediatría Garrahan
Classification: Benign. Last evaluated: 2023-11-12. Review status: criteria provided, single submitter. Criteria: ACMG Guidelines, 2015. Collection method: clinical testing. Allele origin: germline. Affected: no. Observed: 31 variant alleles.
Comment: This variant is classified as Benign based on local population frequency. This variant was detected in 32% of patients studied by a panel of primary immunodeficiencies. Number of patients: 31. Only high quality variants are reported.

GeneDx
Classification: Benign. Last evaluated: 2018-06-14. Review status: criteria provided, single submitter. Criteria: GeneDx Variant Classification (06012015). Collection method: clinical testing. Allele origin: germline. Affected: yes.
Comment: This variant is considered likely benign or benign based on one or more of the following criteria: it is a conservative change, it occurs at a poorly conserved position in the protein, it is predicted to be benign by multiple in silico algorithms, and/or has population frequency not consistent with disease.

Breakthrough Genomics
Classification: Benign. Review status: criteria provided, single submitter. Criteria: ACMG Guidelines, 2015. Collection method: not provided. Allele origin: germline. Inheritance: Autosomal recessive inheritance. Affected: yes.